The following is an entry in ClinVar:

NM_001018113.3(FANCB):c.1004G>A (p.Gly335Glu)

Gene: FANCB (FA complementation group B; minus strand). Cytogenetic location: Xp22.2.
Variant type: single nucleotide variant.
Coding change: c.1004G>A on transcript NM_001018113.3 (MANE Select); coding-DNA position 1004, G replaced by A.
Protein change: p.Gly335Glu; replaces glycine 335 with glutamic acid.
Molecular consequence: missense variant.
Genome position (GRCh38, 1-based): chrX:14,859,282, C>T on the plus strand (G>A on the coding strand, the complement: FANCB is on the minus strand). VCF-style: chrX-14859282-C-T. GRCh37 (hg19) VCF-style: chrX-14877404-C-T.
Other names: p.Gly335Glu; c.1004G>A (NM_152633.3); c.1004G>A, p.Gly335Glu (NM_001324162.2, NM_152633.4); short protein forms G335E.
Identifiers: ClinVar variation 257062 (VCV000257062.30), dbSNP rs41309679, ClinGen allele CA10353139.

ClinVar aggregate classification (germline): Benign/Likely benign. Review status: criteria provided, multiple submitters, no conflicts (2 of 4 stars). 14 submissions from 13 submitters: Benign (11); Likely benign (3). Last evaluated 2026-02-04.

Conditions:
Inborn genetic diseases. Identifiers: MedGen C0950123, MeSH D030342.
VACTERL association, X-linked, with or without hydrocephalus (VACTERLX). Also called: VACTERL ASSOCIATION, X-LINKED; VACTERL-H, X-LINKED; VACTERL Association with Hydrocephalus, X-linked; X-linked VACTERL-H syndrome. Identifiers: Orphanet 3412, MedGen C2931228, MONDO:0010752, OMIM 314390.
Fanconi anemia (FA). Also called: Fanconi's anemia. Identifiers: Orphanet 84, MedGen C0015625, MeSH D005199, MONDO:0019391.
Fanconi anemia complementation group B (FANCB). Also called: FANCONI PANCYTOPENIA, TYPE 2; FANCB-Related Fanconi Anemia. Identifiers: Orphanet 84, MedGen C1845292, MONDO:0010351, OMIM 300514.

Allele frequency attached by ClinVar (database versions not stated): 1000 Genomes Project 30x 0.03434; 1000 Genomes Project 0.03656; TOPMed 0.05101; gnomAD 0.05446 and 0.05461; ESP Exome Variant Server 0.05900; gnomAD exomes 0.06175 and 0.07528; ExAC 0.06397.
gnomAD v4.1: 86,719 of 1,187,007 alleles (7.3%); highest among the groups gnomAD compares: Non-Finnish European, 8.1%; 2,526 homozygotes.

Submissions (14):

Labcorp Genetics (formerly Invitae), Labcorp
Classification: Benign for Fanconi anemia. Last evaluated: 2026-02-04. Review status: criteria provided, single submitter. Criteria: Invitae Variant Classification Sherloc (09022015). Collection method: clinical testing. Allele origin: germline.

Mayo Clinic Laboratories, Mayo Clinic
Classification: Benign. Last evaluated: 2025-10-23. Review status: criteria provided, single submitter. Criteria: ACMG Guidelines, 2015. Collection method: clinical testing. Allele origin: germline. Observed: 5 variant alleles.
Comment: BA1

ARUP Laboratories, Molecular Genetics and Genomics, ARUP Laboratories
Classification: Benign for Fanconi anemia complementation group B. Last evaluated: 2025-06-06. Review status: criteria provided, single submitter. Criteria: ARUP Molecular Germline Variant Investigation Process 2024. Collection method: clinical testing. Allele origin: germline.

Genomic Medicine Center of Excellence, King Faisal Specialist Hospital and Research Centre
Classification: Benign for Fanconi anemia complementation group B. Last evaluated: 2024-12-19. Review status: criteria provided, single submitter. Criteria: ACMG Guidelines, 2015. Collection method: clinical testing. Allele origin: germline.

Blueprint Genetics
Classification: Likely benign. Last evaluated: 2024-11-28. Review status: criteria provided, single submitter. Criteria: ACMG Guidelines, 2015. Collection method: clinical testing. Allele origin: germline.

KCCC/NGS Laboratory, Kuwait Cancer Control Center
Classification: Benign for Fanconi anemia complementation group B. Last evaluated: 2023-07-07. Review status: criteria provided, single submitter. Criteria: ACMG Guidelines, 2015. Collection method: clinical testing. Allele origin: germline. Affected: yes.

Women's Health and Genetics/Laboratory Corporation of America, LabCorp
Classification: Likely benign. Last evaluated: 2021-12-10. Review status: criteria provided, single submitter. Criteria: LabCorp Variant Classification Summary - May 2015. Collection method: clinical testing. Allele origin: germline.

Sema4
Classification: Benign for Fanconi anemia. Last evaluated: 2020-02-26. Review status: criteria provided, single submitter. Criteria: Sema4 Curation Guidelines. Collection method: curation. Allele origin: germline.

GeneDx
Classification: Benign. Last evaluated: 2019-01-15. Review status: criteria provided, single submitter. Criteria: GeneDx Variant Classification Process June 2021. Collection method: clinical testing. Allele origin: germline. Affected: yes.
Comment: This variant is associated with the following publications: (PMID: 30679340)

Illumina Laboratory Services, Illumina
Classification: Benign for VACTERL association with hydrocephaly, X-linked. Last evaluated: 2018-01-12. Review status: criteria provided, single submitter. Criteria: ICSL Variant Classification Criteria 13 December 2019. Collection method: clinical testing. Allele origin: germline.
Comment: This variant was observed in the ICSL laboratory as part of a predisposition screen in an ostensibly healthy population. It had not been previously curated by ICSL or reported in the Human Gene Mutation Database (HGMD: prior to June 1st, 2018), and was therefore a candidate for classification through an automated scoring system. Utilizing variant allele frequency, disease prevalence and penetrance estimates, and inheritance mode, an automated score was calculated to assess if this variant is too frequent to cause the disease. Based on the score and internal cut-off values, a variant classified as benign is not then subjected to further curation. The score for this variant resulted in a classification of benign for this disease.

Illumina Laboratory Services, Illumina
Classification: Benign for Fanconi anemia complementation group B. Last evaluated: 2018-01-12. Review status: criteria provided, single submitter. Criteria: ICSL Variant Classification Criteria 13 December 2019. Collection method: clinical testing. Allele origin: germline.
Comment: the same text as in the submission from Illumina Laboratory Services, Illumina above.

Ambry Genetics
Classification: Benign for Inborn genetic diseases. Last evaluated: 2014-11-24. Review status: criteria provided, single submitter. Criteria: Ambry Variant Classification Scheme 2023. Collection method: clinical testing. Allele origin: germline.

Breakthrough Genomics
Classification: Likely benign. Review status: criteria provided, single submitter. Criteria: ACMG Guidelines, 2015. Collection method: not provided. Allele origin: germline. Inheritance: X-linked recessive inheritance. Affected: yes.

PreventionGenetics, part of Exact Sciences
Classification: Benign. Review status: criteria provided, single submitter. Criteria: ACMG Guidelines, 2015. Collection method: clinical testing. Allele origin: germline.